The following is an entry in ClinVar:

NM_015338.6(ASXL1):c.3950C>T (p.Pro1317Leu)

Gene: ASXL1 (ASXL transcriptional regulator 1; plus strand). Cytogenetic location: 20q11.21.
Variant type: single nucleotide variant.
Coding change: c.3950C>T on transcript NM_015338.6 (MANE Select); coding-DNA position 3950, C replaced by T.
Protein change: p.Pro1317Leu; replaces proline 1317 with leucine.
Molecular consequence: missense variant.
Genome position (GRCh38, 1-based): chr20:32,436,662, C>T. VCF-style: chr20-32436662-C-T. GRCh37 (hg19) VCF-style: chr20-31024465-C-T.
Other names: c.3767C>T, p.Pro1256Leu (NM_001363734.1); short protein forms P1256L, P1317L.
Identifiers: ClinVar variation 3439893 (VCV003439893.1).

ClinVar aggregate classification (germline): Uncertain significance (1 of 4 stars; one submission).

Conditions:
Inborn genetic diseases. Identifiers: MedGen C0950123, MeSH D030342.

Submission:

Ambry Genetics
Classification: Uncertain significance for Inborn genetic diseases. Last evaluated: 2024-12-09. Review status: criteria provided, single submitter. Criteria: Ambry Variant Classification Scheme 2023. Collection method: clinical testing. Allele origin: germline.
Comment: The p.P1317L variant (also known as c.3950C>T), located in coding exon 13 of the ASXL1 gene, results from a C to T substitution at nucleotide position 3950. The proline at codon 1317 is replaced by leucine, an amino acid with similar properties. This amino acid position is conserved. In addition, this alteration is predicted to be tolerated by in silico analysis. Based on the available evidence, the clinical significance of this variant remains unclear.